The following is an entry in ClinVar:

ClinVar aggregate classification (germline): Uncertain significance (1 of 4 stars; one submission).

Submission:

Labcorp Genetics (formerly Invitae), Labcorp
Classification: Uncertain significance. Last evaluated: 2022-07-27. Review status: criteria provided, single submitter. Criteria: Invitae Variant Classification Sherloc (09022015). Collection method: clinical testing. Allele origin: germline.
Comment: In summary, the available evidence is currently insufficient to determine the role of this variant in disease. Therefore, it has been classified as a Variant of Uncertain Significance. Algorithms developed to predict the effect of sequence changes on RNA splicing suggest that this variant may disrupt the consensus splice site. This variant has not been reported in the literature in individuals affected with NAXD-related conditions. This variant is present in population databases (rs185812775, gnomAD 0.02%). This sequence change falls in intron 4 of the NAXD gene. It does not directly change the encoded amino acid sequence of the NAXD protein.

NM_001242882.2(NAXD):c.332+17C>T

Gene: NAXD (NAD(P)HX dehydratase; plus strand). Cytogenetic location: 13q34.
Variant type: single nucleotide variant.
Coding change: c.332+17C>T on transcript NM_001242882.2 (MANE Select); 17 bases into the intron after coding-DNA position 332, C replaced by T.
Molecular consequence: intron variant.
Genome position (GRCh38, 1-based): chr13:110,625,295, C>T. VCF-style: chr13-110625295-C-T. GRCh37 (hg19) VCF-style: chr13-111277642-C-T.
Other names: c.57-2144C>T (NM_001242883.2); c.386+17C>T (NM_018210.4, NM_001242881.2).
Identifiers: ClinVar variation 1908023 (VCV001908023.5), dbSNP rs185812775, ClinGen allele CA7051143.